The following is an entry in ClinVar:

NM_199242.3(UNC13D):c.1391C>T (p.Thr464Ile)

Gene: UNC13D (unc-13 homolog D; minus strand). Cytogenetic location: 17q25.1.
Variant type: single nucleotide variant.
Coding change: c.1391C>T on transcript NM_199242.3 (MANE Select); coding-DNA position 1391, C replaced by T.
Protein change: p.Thr464Ile; replaces threonine 464 with isoleucine.
Molecular consequence: missense variant.
Genome position (GRCh38, 1-based): chr17:75,836,255, G>A on the plus strand (C>T on the coding strand, the complement: UNC13D is on the minus strand). VCF-style: chr17-75836255-G-A. GRCh37 (hg19) VCF-style: chr17-73832336-G-A.
Other names: short protein forms T464I.
Identifiers: ClinVar variation 2012321 (VCV002012321.1), dbSNP rs2545982258, ClinGen allele CA401098978.
Genomic context (GRCh38, chr17:75,836,255, plus strand): 5'-CTCACCTGCACCATGGGTTGATGGTGCTGCTGCTTCAGGTGGAACCATTCAGTGGTGCCA[G>A]TCTGTCGACAAAGAGGCAGTGAGCAGGGAGGGACTGCCAGGCCCAGGCGCTGGTCTCCCC-3'
Protein context (NP_954712.1, residues 454-474): LPQLVTEALQ[Thr464Ile]GTTEWFHLKQ

ClinVar aggregate classification (germline): Uncertain significance (1 of 4 stars; one submission).

Conditions:
Familial hemophagocytic lymphohistiocytosis 3 (FHL3). Also called: UNC13D-Related Familial Hemophagocytic Lymphohistiocytosis (UNC13D-fHLH). Identifiers: Orphanet 540, MedGen C1837174, MONDO:0012146, OMIM 608898.

Submission:

Labcorp Genetics (formerly Invitae), Labcorp
Classification: Uncertain significance for Familial hemophagocytic lymphohistiocytosis 3. Last evaluated: 2022-06-29. Review status: criteria provided, single submitter. Criteria: Invitae Variant Classification Sherloc (09022015). Collection method: clinical testing. Allele origin: germline.
Comment: This sequence change replaces threonine, which is neutral and polar, with isoleucine, which is neutral and non-polar, at codon 464 of the UNC13D protein (p.Thr464Ile). This variant is not present in population databases (gnomAD no frequency). This variant has not been reported in the literature in individuals affected with UNC13D-related conditions. Algorithms developed to predict the effect of missense changes on protein structure and function are either unavailable or do not agree on the potential impact of this missense change (SIFT: "Not Available"; PolyPhen-2: "Benign"; Align-GVGD: "Not Available"). In summary, the available evidence is currently insufficient to determine the role of this variant in disease. Therefore, it has been classified as a Variant of Uncertain Significance.